The following is an entry in ClinVar:

ClinVar aggregate classification (germline): Uncertain significance (1 of 4 stars; one submission).

Submission:

Ambry Genetics
Classification: Uncertain significance. Last evaluated: 2026-02-19. Review status: criteria provided, single submitter. Criteria: Ambry Variant Classification Scheme 2023. Collection method: clinical testing. Allele origin: germline.
Comment: The p.P761R variant (also known as c.2282C>G), located in coding exon 23 of the NEBL gene, results from a C to G substitution at nucleotide position 2282. The proline at codon 761 is replaced by arginine, an amino acid with dissimilar properties. This amino acid position is conserved. In addition, this alteration is predicted to be tolerated by in silico analysis. Based on the available evidence, the clinical significance of this variant remains unclear.

NM_006393.3(NEBL):c.2282C>G (p.Pro761Arg)

Gene: NEBL (nebulette; minus strand). Cytogenetic location: 10p12.31.
Variant type: single nucleotide variant.
Coding change: c.2282C>G on transcript NM_006393.3 (MANE Select); coding-DNA position 2282, C replaced by G.
Protein change: p.Pro761Arg; replaces proline 761 with arginine.
Molecular consequence: missense variant. On other transcripts: intron variant (9).
Genome position (GRCh38, 1-based): chr10:20,814,003, G>C on the plus strand (C>G on the coding strand, the complement: NEBL is on the minus strand). VCF-style: chr10-20814003-G-C. GRCh37 (hg19) VCF-style: chr10-21102932-G-C.
Other names: c.250-1063C>G (NM_001377326.1, NM_001377327.1, NM_001377328.1); c.358-1063C>G (NM_213569.2, NM_001173484.2, NM_001377322.1); c.301-1063C>G (NM_001377324.1); c.292-1063C>G (NM_001377325.1); c.310-1063C>G (NM_001377323.1); short protein forms P761R.
Identifiers: ClinVar variation 4844729 (VCV004844729.1).